The following is an entry in ClinVar:

ClinVar aggregate classification (germline): Pathogenic (1 of 4 stars; one submission).

Conditions:
Developmental and epileptic encephalopathy, 23 (DEE23). Also called: Epileptic encephalopathy, early infantile, 23. Identifiers: Orphanet 411986, MedGen C4014492, MONDO:0014371, OMIM 615859.

Submission:

Labcorp Genetics (formerly Invitae), Labcorp
Classification: Pathogenic for Developmental and epileptic encephalopathy, 23. Last evaluated: 2021-02-01. Review status: criteria provided, single submitter. Criteria: Invitae Variant Classification Sherloc (09022015). Collection method: clinical testing. Allele origin: germline.
Comment: This sequence change creates a premature translational stop signal (p.Thr186Asnfs*5) in the DOCK7 gene. It is expected to result in an absent or disrupted protein product. Loss-of-function variants in DOCK7 are known to be pathogenic (PMID: 24814191). This variant is not present in population databases (ExAC no frequency). This variant has not been reported in the literature in individuals with DOCK7-related conditions. For these reasons, this variant has been classified as Pathogenic.

Literature cited by the submitters: PubMed 24814191.

NM_001367561.1(DOCK7):c.556dup (p.Thr186fs)

Gene: DOCK7 (dedicator of cytokinesis 7; minus strand). Cytogenetic location: 1p31.3.
Variant type: Duplication.
Coding change: c.556dup on transcript NM_001367561.1 (MANE Select); coding-DNA position 556, one base duplicated (A; older notation c.556dupA).
Protein change: p.Thr186fs; shifts the reading frame from threonine 186.
Molecular consequence: frameshift variant.
Genome position (GRCh38, 1-based): chr1:62,648,282, T duplicated on the plus strand (A on the coding strand, the reverse complement: DOCK7 is on the minus strand). VCF-style (leftmost placement, unchanged base first): chr1-62648281-G-GT. GRCh37 (hg19) VCF-style: chr1-63113952-G-GT.
Other names: c.556dup, p.Thr186fs (NM_001271999.2, NM_001272000.2, NM_001272001.2 and 3 more transcripts); short protein forms T186fs.
Identifiers: ClinVar variation 1452731 (VCV001452731.6), dbSNP rs2149679279, ClinGen allele CA2573132530.
Genomic context (GRCh38, chr1:62,648,281, plus strand): 5'-AAAGCATCAGGAAGTGAATTTTTCAAGTCAAAGATACTACAGGCCCAGCTACCCCTTGGG[G>GT]TATCATCTATTGACATTGAACGTCTTTTAAGGTCATCCTGTCATGCAAAACATTAAATAT-3'